The following is an entry in ClinVar:

ClinVar aggregate classification (germline): Uncertain significance (1 of 4 stars; one submission).

Conditions:
Inborn genetic diseases. Identifiers: MedGen C0950123, MeSH D030342.

gnomAD v4.1: 1 of 1,612,210 alleles (0.000062%); highest among the groups gnomAD compares: Non-Finnish European, 0.000085%; no homozygotes.

Submission:

Ambry Genetics
Classification: Uncertain significance for Inborn genetic diseases. Last evaluated: 2026-03-12. Review status: criteria provided, single submitter. Criteria: Ambry Variant Classification Scheme 2023. Collection method: clinical testing. Allele origin: germline.
Comment: The p.G951D variant (also known as c.2852G>A) is located in coding exon 29 of the RTEL1 gene. The glycine at codon 951 is replaced by aspartic acid, an amino acid with similar properties. This change occurs in the first base pair of coding exon 29. This amino acid position is conserved. In addition, this alteration is predicted to be tolerated by in silico analysis. Based on the available evidence, the clinical significance of this variant remains unclear.

NM_001283009.2(RTEL1):c.2852G>A (p.Gly951Asp)

Genes: RTEL1 (regulator of telomere elongation helicase 1; plus strand), RTEL1-TNFRSF6B (RTEL1-TNFRSF6B readthrough (NMD candidate); plus strand). Cytogenetic location: 20q13.33.
Variant type: single nucleotide variant.
Coding change: c.2852G>A on transcript NM_001283009.2 (MANE Select); coding-DNA position 2852, G replaced by A.
Protein change: p.Gly951Asp; replaces glycine 951 with aspartic acid.
Molecular consequence: missense variant. On other transcripts: non-coding transcript variant (1).
Genome position (GRCh38, 1-based): chr20:63,693,143, G>A. VCF-style: chr20-63693143-G-A. GRCh37 (hg19) VCF-style: chr20-62324496-G-A.
Other names: c.2183G>A, p.Gly728Asp (NM_001283010.1); c.2852G>A, p.Gly951Asp (NM_016434.4); c.2924G>A, p.Gly975Asp (NM_032957.5); short protein forms G951D, G975D, G728D.
Identifiers: ClinVar variation 4827718 (VCV004827718.1).